The following is an entry in ClinVar:

NM_000548.5(TSC2):c.436C>G (p.Leu146Val)

Gene: TSC2 (TSC complex subunit 2; plus strand). Cytogenetic location: 16p13.3.
Variant type: single nucleotide variant.
Coding change: c.436C>G on transcript NM_000548.5 (MANE Select); coding-DNA position 436, C replaced by G.
Protein change: p.Leu146Val; replaces leucine 146 with valine.
Molecular consequence: missense variant. On other transcripts: intron variant (1).
Genome position (GRCh38, 1-based): chr16:2,054,395, C>G. VCF-style: chr16-2054395-C-G. GRCh37 (hg19) VCF-style: chr16-2104396-C-G.
Other names: c.436C>G, p.Leu146Val (NM_001077183.3, NM_001114382.3, NM_001363528.2 and 3 more transcripts); c.325C>G, p.Leu109Val (NM_001318827.2); c.289C>G, p.Leu97Val (NM_001318829.2); c.469C>G, p.Leu157Val (NM_001318832.2); c.-1-1801C>G (NM_001318831.2); c.436C>G (NM_000548.3); short protein forms L109V, L146V, L157V, L97V.
Identifiers: ClinVar variation 1016534 (VCV001016534.9), dbSNP rs997604465, ClinGen allele CA394307369.

ClinVar aggregate classification (germline): Uncertain significance. Review status: criteria provided, multiple submitters, no conflicts (2 of 4 stars). 2 submissions from 2 submitters: Uncertain significance (2). Last evaluated 2024-01-30.

Conditions:
Tuberous sclerosis 2 (TSC2). Identifiers: Orphanet 805, MedGen C1860707, MONDO:0013199, OMIM 613254.
Hereditary cancer-predisposing syndrome. Also called: Tumor predisposition; Hereditary Cancer Syndrome; Neoplastic Syndromes, Hereditary; Hereditary neoplastic syndrome. Identifiers: Orphanet 140162, MedGen C0027672, MeSH D009386, MONDO:0015356.

Allele frequency attached by ClinVar (database versions not stated): gnomAD exomes below 0.00001.
gnomAD v4.1: 1 of 1,614,228 alleles (0.000062%); highest among the groups gnomAD compares: Non-Finnish European, 0.000085%; no homozygotes.

Submissions (2):

Ambry Genetics
Classification: Uncertain significance for Hereditary cancer-predisposing syndrome. Last evaluated: 2024-01-30. Review status: criteria provided, single submitter. Criteria: Ambry Variant Classification Scheme 2023. Collection method: clinical testing. Allele origin: germline.
Comment: The p.L146V variant (also known as c.436C>G), located in coding exon 4 of the TSC2 gene, results from a C to G substitution at nucleotide position 436. The leucine at codon 146 is replaced by valine, an amino acid with highly similar properties. This amino acid position is conserved. In addition, this alteration is predicted to be deleterious by in silico analysis. Based on the available evidence, the clinical significance of this alteration remains unclear.

Labcorp Genetics (formerly Invitae), Labcorp
Classification: Uncertain significance for Tuberous sclerosis 2. Last evaluated: 2022-08-16. Review status: criteria provided, single submitter. Criteria: Invitae Variant Classification Sherloc (09022015). Collection method: clinical testing. Allele origin: germline.
Comment: ClinVar contains an entry for this variant (Variation ID: 1016534). Advanced modeling of protein sequence and biophysical properties (such as structural, functional, and spatial information, amino acid conservation, physicochemical variation, residue mobility, and thermodynamic stability) performed at Invitae indicates that this missense variant is not expected to disrupt TSC2 protein function. In summary, the available evidence is currently insufficient to determine the role of this variant in disease. Therefore, it has been classified as a Variant of Uncertain Significance. This sequence change replaces leucine, which is neutral and non-polar, with valine, which is neutral and non-polar, at codon 146 of the TSC2 protein (p.Leu146Val). This variant is not present in population databases (gnomAD no frequency). This variant has not been reported in the literature in individuals affected with TSC2-related conditions.